The following is an entry in ClinVar:

NM_032578.4(MYPN):c.739G>A (p.Gly247Ser)

Gene: MYPN (myopalladin; plus strand). Cytogenetic location: 10q21.3.
Variant type: single nucleotide variant.
Coding change: c.739G>A on transcript NM_032578.4 (MANE Select); coding-DNA position 739, G replaced by A.
Protein change: p.Gly247Ser; replaces glycine 247 with serine.
Molecular consequence: missense variant. On other transcripts: 5 prime UTR variant (1), non-coding transcript variant (1).
Genome position (GRCh38, 1-based): chr10:68,122,177, G>A. VCF-style: chr10-68122177-G-A. GRCh37 (hg19) VCF-style: chr10-69881934-G-A.
Other names: c.739G>A, p.Gly247Ser (NM_001256267.2); c.-384G>A (NM_001256268.2); short protein forms G247S.
Identifiers: ClinVar variation 3402090 (VCV003402090.1).

ClinVar aggregate classification (germline): Uncertain significance (1 of 4 stars; one submission).

Conditions:
Cardiovascular phenotype. Identifiers: MedGen CN230736.

gnomAD v4.1: 1 of 1,610,764 alleles (0.000062%); highest among the groups gnomAD compares: Non-Finnish European, 0.000085%; no homozygotes.

Submission:

Ambry Genetics
Classification: Uncertain significance for Cardiovascular phenotype. Last evaluated: 2024-10-28. Review status: criteria provided, single submitter. Criteria: Ambry Variant Classification Scheme 2023. Collection method: clinical testing. Allele origin: germline.
Comment: The p.G247S variant (also known as c.739G>A), located in coding exon 1 of the MYPN gene, results from a G to A substitution at nucleotide position 739. The glycine at codon 247 is replaced by serine, an amino acid with similar properties. This amino acid position is conserved. In addition, this alteration is predicted to be tolerated by in silico analysis. Based on the available evidence, the clinical significance of this variant remains unclear.